The following is an entry in ClinVar:

NM_001034853.2(RPGR):c.2234_2237del (p.Arg745fs)

Gene: RPGR (retinitis pigmentosa GTPase regulator; minus strand). Cytogenetic location: Xp11.4.
Variant type: Deletion.
Coding change: c.2234_2237del on transcript NM_001034853.2 (MANE Select); coding-DNA positions 2234 to 2237, 4 bases deleted (GAGA; older notation c.2234_2237delGAGA).
Protein change: p.Arg745fs; shifts the reading frame from arginine 745.
Molecular consequence: frameshift variant. On other transcripts: intron variant (8).
Genome position (GRCh38, 1-based): chrX:38,286,762-38,286,765, TCTC deleted on the plus strand (GAGA on the coding strand, the reverse complement: RPGR is on the minus strand); deleting any 4 consecutive bases within chrX:38,286,762-38,286,766 gives the same sequence; the c. name uses the placement nearest the transcript's 3' end. VCF-style (leftmost placement, unchanged base first): chrX-38286761-TTCTC-T. GRCh37 (hg19) VCF-style: chrX-38146014-TTCTC-T.
Other names: NM_001034853.2(RPGR):c.2234_2237del; p.Arg745fs; c.1569+4194_1569+4197del (NM_001367249.1, NM_001367250.1); c.1902+329_1902+332del (NM_001367245.1); c.1386+4194_1386+4197del (NM_001367251.1); c.1719+329_1719+332del (NM_001367246.1); c.1572+4194_1572+4197del (NM_001367247.1); c.1905+329_1905+332del (NM_000328.3); and 1 more; short protein forms R745fs.
Identifiers: ClinVar variation 866530 (VCV000866530.12), dbSNP rs1555961852, ClinGen allele CA916083910.

ClinVar aggregate classification (germline): Pathogenic. Review status: reviewed by expert panel (3 of 4 stars). 7 submissions from 6 submitters: Pathogenic (1). 6 of the submissions do not count toward it. Last evaluated 2026-11-20.

Conditions:
Retinal dystrophy. Also called: Inherited retinal dystrophy. Identifiers: Orphanet 71862, MedGen C0854723, MeSH D058499, MONDO:0019118, HP:0000556.
Primary ciliary dyskinesia. Also called: Ciliary dyskinesia. Identifiers: Orphanet 244, MedGen C0008780, MONDO:0016575, HP:0012265.
Retinitis pigmentosa (RP). Identifiers: Orphanet 791, MedGen C0035334, MeSH D012174, MONDO:0019200, OMIM 268000. Inheritance: Autosomal dominant, autosomal recessive and X linked inheritance.
RPGR-related retinopathy. Also called: RPGR retinopathy. Identifiers: MedGen CN305589, MONDO:0100437.
Retinitis pigmentosa 3. Also called: CHOROIDORETINAL DEGENERATION WITH RETINAL REFLEX IN HETEROZYGOUS WOMEN. Identifiers: Orphanet 791, MedGen C1845667, MONDO:0010227, OMIM 300029.

Submissions (7):

ClinGen X-linked Inherited Retinal Disease Variant Curation Expert Panel, ClinGen
Classification: Pathogenic for RPGR-related retinopathy. Last evaluated: 2026-11-20. Review status: reviewed by expert panel. Criteria: ClinGen X LinkedIRD ACMG Specifications RPGR V1.0.0. Collection method: curation. Allele origin: germline. Inheritance: X-linked inheritance.
Comment: NM_001034853.2(RPGR):c.2234_2237del is a frameshift variant caused by 4 nucleotide deletion, which introduces a premature stop codon after 69 amino acids in exon 15 of 15 that is predicted to disrupt a critical C-terminal region required for proper glutamylation of RPGR (PVS1, PMID: 36445968). This variant is absent from hemizygous individuals in gnomAD v4.1.2 (PM2_Supporting). At least one proband harboring this variant exhibits the following phenotypes, including Required: <30 years old, has ERG/FAF, and night blindness (0.5), reduced central visual acuity (0.5), family history consistent with X-linked transmission (2pts), pigmentary retinopathy/maculopathy (0.5), slight intraretinal bone spicule pigmentation (0.5pts), which together are specific for RPGR-related retinopathy (5 Points, PMID: 35794468, PP4). This variant has been reported in at least 2 apparently unrelated probands meeting one of the PS4 requirements of a male with some functional vision impairment by age 30 and/or decreased or absent ERG responses, or a female with functional visual abnormality and documentation of a male relative affected with retinitis pigmentosa (PMIDs: 11992260, 28863407, 31953110, 32531858, 32702353, 34985506, 37217489, 40057012, PS4_Supporting). The variant has been reported to segregate with retinal dystrophy through at >3 meioses in one family (PP1_Moderate; PMID: 35794468). In summary, this variant is classified as pathogenic for RPGR-related retinopathy based on the ACMG/AMP criteria applied, as specified by the ClinGen X-linked IRD VCEP: PVS1, PM2_Supporting, PS4_Supporting, PP4, and PP1_Moderate.

Centre of Medical Genetics, University Hospital Muenster
Classification: Pathogenic. Last evaluated: 2024-11-04. Review status: criteria provided, single submitter. Criteria: ACMG Guidelines, 2015. Collection method: clinical testing. Allele origin: unknown. Affected: yes. Observed: 1 variant allele. Not counted in ClinVar's aggregate classification.
Comment: ACMG categories: PVS1,PM2

Labcorp Genetics (formerly Invitae), Labcorp
Classification: Pathogenic for Primary ciliary dyskinesia. Last evaluated: 2022-07-05. Review status: criteria provided, single submitter. Criteria: Invitae Variant Classification Sherloc (09022015). Collection method: clinical testing. Allele origin: germline. Not counted in ClinVar's aggregate classification.
Comment: This sequence change creates a premature translational stop signal (p.Arg745Lysfs*69) in the RPGR (ORF15) gene. While this is not anticipated to result in nonsense mediated decay, it is expected to disrupt the last 408 amino acid(s) of the RPGR (ORF15) protein. This variant is not present in population databases (gnomAD no frequency). This premature translational stop signal has been observed in individual(s) with X-linked retinitis pigmentosa (PMID: 11992260, 32702353). This variant is also known as 481-4del (Arg162fsTer231) or Arg160Lysfs*69. ClinVar contains an entry for this variant (Variation ID: 866530). This variant disrupts a region of the RPGR (ORF15) protein in which other variant(s) (p.Leu1130Lysfs*13) have been determined to be pathogenic (PMID: 22264887; Invitae). This suggests that this is a clinically significant region of the protein, and that variants that disrupt it are likely to be disease-causing. For these reasons, this variant has been classified as Pathogenic.

Broad Center for Mendelian Genomics, Broad Institute of MIT and Harvard
Classification: Likely pathogenic for Retinitis pigmentosa. Last evaluated: 2021-04-01. Review status: criteria provided, single submitter. Criteria: ACMG Guidelines, 2015. Collection method: curation. Allele origin: germline. Inheritance: X-linked inheritance. Affected: yes. Not counted in ClinVar's aggregate classification.
Comment: Through a review of available evidence we were able to apply the following criteria: PVS1, PM2. Based on this evidence we have classified this variant as Likely Pathogenic. If you have any questions about the classification please reach out to the Pierce Lab.

Institute of Human Genetics, Univ. Regensburg, Univ. Regensburg
Classification: Pathogenic for Retinal dystrophy. Last evaluated: 2021-01-01. Review status: criteria provided, single submitter. Criteria: ACMG Guidelines, 2015. Collection method: clinical testing. Allele origin: germline. Affected: yes. Not counted in ClinVar's aggregate classification.

Blueprint Genetics
Classification: Likely pathogenic for Retinal dystrophy. Last evaluated: 2019-01-08. Review status: criteria provided, single submitter. Criteria: Blueprint Genetics Variant Classification Scheme. Collection method: clinical testing. Allele origin: germline. Affected: yes. Not counted in ClinVar's aggregate classification.

Blueprint Genetics
Classification: Likely pathogenic for Retinitis pigmentosa 3. Review status: no assertion criteria provided. Collection method: clinical testing. Allele origin: germline. Affected: yes. Not counted in ClinVar's aggregate classification.

Literature cited by the submitters: PubMed 11992260 (cited by Labcorp Genetics (formerly Invitae), Labcorp and Institute of Human Genetics, Univ. Regensburg, Univ. Regensburg); PubMed 32702353 (cited by Labcorp Genetics (formerly Invitae), Labcorp); PubMed 22264887 (cited by Labcorp Genetics (formerly Invitae), Labcorp); PubMed 34906470 (cited by Broad Center for Mendelian Genomics, Broad Institute of MIT and Harvard); PubMed 28863407 (cited by Institute of Human Genetics, Univ. Regensburg, Univ. Regensburg); PubMed 31953110 (cited by Institute of Human Genetics, Univ. Regensburg, Univ. Regensburg); PubMed 34985506 (cited by Institute of Human Genetics, Univ. Regensburg, Univ. Regensburg).